The following is an entry in ClinVar:

NM_213655.5(WNK1):c.3212C>T (p.Pro1071Leu)

Gene: WNK1 (WNK lysine deficient protein kinase 1; plus strand). Cytogenetic location: 12p13.33.
Variant type: single nucleotide variant.
Coding change: c.3212C>T on transcript NM_213655.5 (MANE Plus Clinical); coding-DNA position 3212, C replaced by T.
Protein change: p.Pro1071Leu; replaces proline 1071 with leucine.
Molecular consequence: missense variant. On other transcripts: intron variant (2).
Genome position (GRCh38, 1-based): chr12:868,683, C>T. VCF-style: chr12-868683-C-T. GRCh37 (hg19) VCF-style: chr12-977849-C-T.
Other names: c.2957C>T, p.Pro986Leu (NM_001184985.2); c.2140-2582C>T (NM_018979.4, NM_014823.3); short protein forms P1071L, P986L.
Identifiers: ClinVar variation 1044212 (VCV001044212.8), dbSNP rs1951886316, ClinGen allele CA383341559.

ClinVar aggregate classification (germline): Uncertain significance (1 of 4 stars; one submission).

Conditions:
Neuropathy, hereditary sensory and autonomic, type 2A (HSAN2A). Also called: MORVAN DISEASE; NEUROPATHY, CONGENITAL SENSORY; NEUROPATHY, HEREDITARY SENSORY RADICULAR, AUTOSOMAL RECESSIVE; NEUROPATHY, HEREDITARY SENSORY, TYPE IIA; NEUROPATHY, PROGRESSIVE SENSORY, OF CHILDREN; WNK1-Related HSAN2 (HSAN2A). Identifiers: Orphanet 970, MedGen C2752089, MONDO:0024309, OMIM 201300.
Pseudohypoaldosteronism type 2C (PHA2C). Also called: Pseudohypoaldosteronism Type IIC. Identifiers: Orphanet 757, Orphanet 88940, MedGen C1840391, MONDO:0013778, OMIM 614492.

Allele frequency attached by ClinVar (database versions not stated): TOPMed 0.00002; gnomAD exomes below 0.00001.
gnomAD v4.1: 1 of 1,613,908 alleles (0.000062%); highest among the groups gnomAD compares: Non-Finnish European, 0.000085%; no homozygotes.

Submission:

Labcorp Genetics (formerly Invitae), Labcorp
Classification: Uncertain significance for Neuropathy, hereditary sensory and autonomic, type 2A; Pseudohypoaldosteronism type 2C. Last evaluated: 2020-05-23. Review status: criteria provided, single submitter. Criteria: Invitae Variant Classification Sherloc (09022015). Collection method: clinical testing. Allele origin: germline.
Comment: This variant is not present in population databases (ExAC no frequency). In summary, the available evidence is currently insufficient to determine the role of this variant in disease. Therefore, it has been classified as a Variant of Uncertain Significance. Algorithms developed to predict the effect of missense changes on protein structure and function are either unavailable or do not agree on the potential impact of this missense change (SIFT: "Deleterious"; PolyPhen-2: "Not Available"; Align-GVGD: "Class C0"). This variant has not been reported in the literature in individuals with WNK1-related conditions. This sequence change replaces proline with leucine at codon 1071 of the WNK1 protein (p.Pro1071Leu). The proline residue is highly conserved and there is a moderate physicochemical difference between proline and leucine.